The following is an entry in ClinVar:

ClinVar aggregate classification (germline): Uncertain significance. Review status: criteria provided, multiple submitters, no conflicts (2 of 4 stars). 2 submissions from 2 submitters: Uncertain significance (2). Last evaluated 2025-01-08.

Conditions:
Hereditary cancer-predisposing syndrome. Also called: Tumor predisposition; Hereditary Cancer Syndrome; Hereditary neoplastic syndrome; Neoplastic Syndromes, Hereditary. Identifiers: Orphanet 140162, MedGen C0027672, MeSH D009386, MONDO:0015356.
Gastrointestinal stromal tumor. Also called: Gastrointestinal stroma tumor; Gastrointestinal stromal tumor, somatic. Identifiers: Orphanet 44890, MedGen C0238198, MeSH D046152, MONDO:0011719, OMIM 606764, HP:0100723.

Allele frequency attached by ClinVar (database versions not stated): gnomAD exomes below 0.00001.
gnomAD v4.1: 3 of 1,613,592 alleles (0.00019%); highest among the groups gnomAD compares: Non-Finnish European, 0.00025%; no homozygotes.

Submissions (2):

Ambry Genetics
Classification: Uncertain significance for Hereditary cancer-predisposing syndrome. Last evaluated: 2025-01-08. Review status: criteria provided, single submitter. Criteria: Ambry Variant Classification Scheme 2023. Collection method: clinical testing. Allele origin: germline.
Comment: The p.D439G variant (also known as c.1316A>G), located in coding exon 8 of the KIT gene, results from an A to G substitution at nucleotide position 1316. The aspartic acid at codon 439 is replaced by glycine, an amino acid with similar properties. This amino acid position is not well conserved in available vertebrate species. In addition, this alteration is predicted to be tolerated by in silico analysis. Based on the available evidence, the clinical significance of this variant remains unclear.

Labcorp Genetics (formerly Invitae), Labcorp
Classification: Uncertain significance for Gastrointestinal stromal tumor. Last evaluated: 2021-04-21. Review status: criteria provided, single submitter. Criteria: Invitae Variant Classification Sherloc (09022015). Collection method: clinical testing. Allele origin: germline.
Comment: In summary, the available evidence is currently insufficient to determine the role of this variant in disease. Therefore, it has been classified as a Variant of Uncertain Significance. This sequence change replaces aspartic acid with glycine at codon 439 of the KIT protein (p.Asp439Gly). The aspartic acid residue is moderately conserved and there is a moderate physicochemical difference between aspartic acid and glycine. This variant is not present in population databases (ExAC no frequency). This variant has not been reported in the literature in individuals with KIT-related conditions. Algorithms developed to predict the effect of missense changes on protein structure and function (SIFT, PolyPhen-2, Align-GVGD) all suggest that this variant is likely to be tolerated, but these predictions have not been confirmed by published functional studies and their clinical significance is uncertain. Algorithms developed to predict the effect of sequence changes on RNA splicing suggest that this variant may create or strengthen a splice site, but this prediction has not been confirmed by published transcriptional studies.

NM_000222.3(KIT):c.1316A>G (p.Asp439Gly)

Gene: KIT (KIT proto-oncogene, receptor tyrosine kinase; plus strand). Cytogenetic location: 4q12.
Variant type: single nucleotide variant.
Coding change: c.1316A>G on transcript NM_000222.3 (MANE Select); coding-DNA position 1316, A replaced by G.
Protein change: p.Asp439Gly; replaces aspartic acid 439 with glycine.
Molecular consequence: missense variant.
Genome position (GRCh38, 1-based): chr4:54,723,668, A>G. VCF-style: chr4-54723668-A-G. GRCh37 (hg19) VCF-style: chr4-55589834-A-G.
Other names: c.1316A>G, p.Asp439Gly (NM_001093772.2, NM_001385285.1, NM_001385286.1); c.1319A>G, p.Asp440Gly (NM_001385284.1, NM_001385288.1, NM_001385290.1 and 1 more transcripts); c.1316A>G (NM_000222.2); short protein forms D439G, D440G.
Identifiers: ClinVar variation 1389238 (VCV001389238.8), dbSNP rs1476141776, ClinGen allele CA356905715.